The following is an entry in ClinVar:

ClinVar aggregate classification (germline): Pathogenic (1 of 4 stars; one submission).

Submission:

Labcorp Genetics (formerly Invitae), Labcorp
Classification: Pathogenic. Last evaluated: 2023-12-09. Review status: criteria provided, single submitter. Criteria: Invitae Variant Classification Sherloc (09022015). Collection method: clinical testing. Allele origin: germline.
Comment: This sequence change creates a premature translational stop signal (p.Leu32Alafs*20) in the DGUOK gene. It is expected to result in an absent or disrupted protein product. Loss-of-function variants in DGUOK are known to be pathogenic (PMID: 18205204). This variant is not present in population databases (gnomAD no frequency). This variant has not been reported in the literature in individuals affected with DGUOK-related conditions. For these reasons, this variant has been classified as Pathogenic.

Literature cited by the submitters: PubMed 18205204.

NM_080916.3(DGUOK):c.94_106del (p.Leu32fs)

Genes: DGUOK (deoxyguanosine kinase; plus strand), LOC129934096 (ATAC-STARR-seq lymphoblastoid active region 16036; plus strand). Cytogenetic location: 2p13.1.
Variant type: Deletion.
Coding change: c.94_106del on transcript NM_080916.3 (MANE Select); coding-DNA positions 94 to 106, 13 bases deleted (CTGCACGCGGGGC).
Protein change: p.Leu32fs; shifts the reading frame from leucine 32.
Molecular consequence: frameshift variant. On other transcripts: 5 prime UTR variant (4), non-coding transcript variant (6).
Genome position (GRCh38, 1-based): chr2:73,927,004-73,927,016, CTGCACGCGGGGC deleted; deleting any 13 consecutive bases within chr2:73,927,001-73,927,016 gives the same sequence; the c. name uses the placement nearest the transcript's 3' end. VCF-style (leftmost placement, unchanged base first): chr2-73927000-AGGCCTGCACGCGG-A. GRCh37 (hg19) VCF-style: chr2-74154127-AGGCCTGCACGCGG-A.
Other names: c.94_106del, p.Leu32fs (NM_001318859.2, NM_080918.3); c.-85_-73del (NM_001318860.2, NM_001318863.2); c.-171_-159del (NM_001318861.2, NM_001318862.2); short protein forms L32fs.
Identifiers: ClinVar variation 2802719 (VCV002802719.3), dbSNP rs2466941817, ClinGen allele CA2739271125.
Genomic context (GRCh38, chr2:73,927,000, plus strand): 5'-GCTTCGAGCACCCTTCAGTTCCATGGCCAAGAGCCCACTCGAGGGCGTTTCCTCCTCCAG[AGGCCTGCACGCGG>A]GGCGCGGGCCCCGAAGGCTCTCCATCGAAGGCAACATTGGTAAGGGCCGGAAAGCGGCTG-3'